The following is an entry in ClinVar:

ClinVar aggregate classification (germline): Uncertain significance (1 of 4 stars; one submission).

Conditions:
Charcot-Marie-Tooth disease type 4. Also called: Charcot-Marie-Tooth, Type 4; Charcot-Marie-Tooth disease, type IV. Identifiers: Orphanet 64749, MedGen C4082197, MONDO:0018995.

Allele frequency attached by ClinVar (database versions not stated): gnomAD 0.00003.

Submission:

Labcorp Genetics (formerly Invitae), Labcorp
Classification: Uncertain significance for Charcot-Marie-Tooth disease type 4. Last evaluated: 2021-08-31. Review status: criteria provided, single submitter. Criteria: Invitae Variant Classification Sherloc (09022015). Collection method: clinical testing. Allele origin: germline.
Comment: This sequence change replaces methionine with isoleucine at codon 115 of the NDRG1 protein (p.Met115Ile). The methionine residue is moderately conserved and there is a small physicochemical difference between methionine and isoleucine. This variant is not present in population databases (ExAC no frequency). This variant has not been reported in the literature in individuals affected with NDRG1-related conditions. Algorithms developed to predict the effect of missense changes on protein structure and function are either unavailable or do not agree on the potential impact of this missense change (SIFT: "Tolerated"; PolyPhen-2: "Probably Damaging"; Align-GVGD: "Class C0"). In summary, the available evidence is currently insufficient to determine the role of this variant in disease. Therefore, it has been classified as a Variant of Uncertain Significance.

NM_006096.4(NDRG1):c.345G>T (p.Met115Ile)

Gene: NDRG1 (N-myc downstream regulated 1; minus strand). Cytogenetic location: 8q24.22.
Variant type: single nucleotide variant.
Coding change: c.345G>T on transcript NM_006096.4 (MANE Select); coding-DNA position 345, G replaced by T.
Protein change: p.Met115Ile; replaces methionine 115 with isoleucine.
Molecular consequence: missense variant.
Genome position (GRCh38, 1-based): chr8:133,259,212, C>A on the plus strand (G>T on the coding strand, the complement: NDRG1 is on the minus strand). VCF-style: chr8-133259212-C-A. GRCh37 (hg19) VCF-style: chr8-134271455-C-A.
Other names: c.345G>T, p.Met115Ile (NM_001135242.2, NM_001374844.1, NM_001374845.1 and 1 more transcripts); c.147G>T, p.Met49Ile (NM_001258432.2, NM_001374847.1); c.102G>T, p.Met34Ile (NM_001258433.2); short protein forms M115I, M49I, M34I.
Identifiers: ClinVar variation 583188 (VCV000583188.6), dbSNP rs1345503929, ClinGen allele CA372256081.
Genomic context (GRCh38, chr8:133,259,212, plus strand): 5'-GATCCTTCGCTCTTACCCAAACTGTTGAAGGACTCCAGGAAGCATTTCAGCCAGCTGATC[C>A]ATGGAGGGGTACATGTACCTGGGGATGACACAGAGAAGCCATTAGTGAGCGCCCGGACAG-3'
Protein context (NP_006087.2, residues 105-125): SFPAGYMYPS[Met115Ile]DQLAEMLPGV